The following is an entry in ClinVar:

ClinVar aggregate classification (germline): Conflicting classifications of pathogenicity. Review status: criteria provided, conflicting classifications (1 of 4 stars). 2 submissions from 2 submitters: Uncertain significance (1); Likely benign (1). Last evaluated 2026-07-16.

Conditions:
Hereditary cancer-predisposing syndrome. Also called: Hereditary Cancer Syndrome; Tumor predisposition; Neoplastic Syndromes, Hereditary; Hereditary neoplastic syndrome. Identifiers: Orphanet 140162, MedGen C0027672, MeSH D009386, MONDO:0015356.
Neuroblastoma, susceptibility to, 3. Also called: ALK-Related Neuroblastic Tumor Susceptibility. Identifiers: Orphanet 635, MedGen C2751681, MONDO:0013083, OMIM 613014.

Allele frequency attached by ClinVar (database versions not stated): TOPMed below 0.00001; gnomAD 0.00001.
gnomAD v4.1: 1 of 1,614,006 alleles (0.000062%); highest among the groups gnomAD compares: African/African-American, 0.0013%; no homozygotes.

Submissions (2):

Ambry Genetics
Classification: Likely benign for Hereditary cancer-predisposing syndrome. Last evaluated: 2026-07-16. Review status: criteria provided, single submitter. Criteria: Ambry Variant Classification Scheme 2023. Collection method: clinical testing. Allele origin: germline.

Labcorp Genetics (formerly Invitae), Labcorp
Classification: Uncertain significance for Neuroblastoma, susceptibility to, 3. Last evaluated: 2022-07-17. Review status: criteria provided, single submitter. Criteria: Invitae Variant Classification Sherloc (09022015). Collection method: clinical testing. Allele origin: germline.
Comment: This variant is not present in population databases (gnomAD no frequency). This sequence change replaces lysine, which is basic and polar, with asparagine, which is neutral and polar, at codon 423 of the ALK protein (p.Lys423Asn). This variant has not been reported in the literature in individuals affected with ALK-related conditions. In summary, the available evidence is currently insufficient to determine the role of this variant in disease. Therefore, it has been classified as a Variant of Uncertain Significance. Algorithms developed to predict the effect of missense changes on protein structure and function are either unavailable or do not agree on the potential impact of this missense change (SIFT: "Deleterious"; PolyPhen-2: "Possibly Damaging"; Align-GVGD: "Class C0"). ClinVar contains an entry for this variant (Variation ID: 1511964).

NM_004304.5(ALK):c.1269G>C (p.Lys423Asn)

Gene: ALK (ALK receptor tyrosine kinase; minus strand). Cytogenetic location: 2p23.2.
Variant type: single nucleotide variant.
Coding change: c.1269G>C on transcript NM_004304.5 (MANE Select); coding-DNA position 1269, G replaced by C.
Protein change: p.Lys423Asn; replaces lysine 423 with asparagine.
Molecular consequence: missense variant.
Genome position (GRCh38, 1-based): chr2:29,383,745, C>G on the plus strand (G>C on the coding strand, the complement: ALK is on the minus strand). VCF-style: chr2-29383745-C-G. GRCh37 (hg19) VCF-style: chr2-29606611-C-G.
Other names: c.1269G>C (NM_004304.4); short protein forms K423N.
Identifiers: ClinVar variation 1511964 (VCV001511964.9), dbSNP rs1370402590, ClinGen allele CA346585059.